The following is an entry in ClinVar:

NM_006231.4(POLE):c.2469-2_2469-1del

Gene: POLE (DNA polymerase epsilon, catalytic subunit; minus strand). Cytogenetic location: 12q24.33.
Variant type: Deletion.
Coding change: c.2469-2_2469-1del on transcript NM_006231.4 (MANE Select); the canonical splice acceptor site of the intron before coding-DNA position 2469, 2 bases deleted (AG; older notation c.2469-2_2469-1delAG).
Molecular consequence: splice acceptor variant.
Genome position (GRCh38, 1-based): chr12:132,664,463-132,664,464, CT deleted on the plus strand (AG on the coding strand, the reverse complement: POLE is on the minus strand). VCF-style (leftmost placement, unchanged base first): chr12-132664462-CCT-C. GRCh37 (hg19) VCF-style: chr12-133241048-CCT-C.
Other names: c.2469-2_2469-1delAG (NM_006231.2).
Identifiers: ClinVar variation 1471126 (VCV001471126.9), dbSNP rs2135958616, ClinGen allele CA2573148283.

ClinVar aggregate classification (germline): Conflicting classifications of pathogenicity. Review status: criteria provided, conflicting classifications (1 of 4 stars). 2 submissions from 2 submitters: Likely pathogenic (1); Uncertain significance (1). Last evaluated 2025-04-03.

Conditions:
Hereditary cancer-predisposing syndrome. Also called: Tumor predisposition; Hereditary Cancer Syndrome; Hereditary neoplastic syndrome; Neoplastic Syndromes, Hereditary. Identifiers: Orphanet 140162, MedGen C0027672, MeSH D009386, MONDO:0015356.

Submissions (2):

Ambry Genetics
Classification: Uncertain significance for Hereditary cancer-predisposing syndrome. Last evaluated: 2025-04-03. Review status: criteria provided, single submitter. Criteria: Ambry Variant Classification Scheme 2023. Collection method: clinical testing. Allele origin: germline.
Comment: The c.2469-2_2469-1delAG intronic variant, located in intron 21 of the POLE gene, results from a deletion of two nucleotides within intron 21 of the POLE gene. Alterations that disrupt the canonical splice site are expected to result in aberrant splicing. In silico splice site analysis predicts that this alteration will weaken the native splice acceptor site and will result in the creation or strengthening of a novel splice acceptor site. The resulting transcript is predicted to be in-frame and is not expected to trigger nonsense-mediated mRNAdecay; although, direct evidence is unavailable. These nucleotide positions are highly conserved in available vertebrate species. Based on the available evidence, the clinical significance of this variant remains unclear.

Labcorp Genetics (formerly Invitae), Labcorp
Classification: Likely pathogenic. Last evaluated: 2022-08-23. Review status: criteria provided, single submitter. Criteria: Invitae Variant Classification Sherloc (09022015). Collection method: clinical testing. Allele origin: germline.
Comment: In summary, the currently available evidence indicates that the variant is pathogenic, but additional data are needed to prove that conclusively. Therefore, this variant has been classified as Likely Pathogenic. Algorithms developed to predict the effect of sequence changes on RNA splicing suggest that this variant may disrupt the consensus splice site. ClinVar contains an entry for this variant (Variation ID: 1471126). This variant has not been reported in the literature in individuals affected with POLE-related conditions. This variant is not present in population databases (gnomAD no frequency). This sequence change affects a splice site in intron 21 of the POLE gene. It is expected to disrupt RNA splicing. Variants that disrupt the donor or acceptor splice site typically lead to a loss of protein function (PMID: 16199547), and loss-of-function variants in POLE are known to be pathogenic (PMID: 23230001, 25948378, 30503519).

Literature cited by the submitters: PubMed 16199547 (cited by Labcorp Genetics (formerly Invitae), Labcorp); PubMed 23230001 (cited by Labcorp Genetics (formerly Invitae), Labcorp); PubMed 25948378 (cited by Labcorp Genetics (formerly Invitae), Labcorp); PubMed 30503519 (cited by Labcorp Genetics (formerly Invitae), Labcorp).